The following is an entry in ClinVar:

NM_001563.4(IMPG1):c.717C>A (p.Ser239Arg)

Gene: IMPG1 (interphotoreceptor matrix proteoglycan 1; minus strand). Cytogenetic location: 6q14.1.
Variant type: single nucleotide variant.
Coding change: c.717C>A on transcript NM_001563.4 (MANE Select); coding-DNA position 717, C replaced by A.
Protein change: p.Ser239Arg; replaces serine 239 with arginine.
Molecular consequence: missense variant.
Genome position (GRCh38, 1-based): chr6:76,018,808, G>T on the plus strand (C>A on the coding strand, the complement: IMPG1 is on the minus strand). VCF-style: chr6-76018808-G-T. GRCh37 (hg19) VCF-style: chr6-76728525-G-T.
Other names: c.483C>A, p.Ser161Arg (NM_001282368.2); short protein forms S239R, S161R.
Identifiers: ClinVar variation 2844765 (VCV002844765.3), dbSNP rs748433324, ClinGen allele CA364778981.

ClinVar aggregate classification (germline): Uncertain significance (1 of 4 stars; one submission).

Submission:

Labcorp Genetics (formerly Invitae), Labcorp
Classification: Uncertain significance. Last evaluated: 2023-03-14. Review status: criteria provided, single submitter. Criteria: Invitae Variant Classification Sherloc (09022015). Collection method: clinical testing. Allele origin: germline.
Comment: In summary, the available evidence is currently insufficient to determine the role of this variant in disease. Therefore, it has been classified as a Variant of Uncertain Significance. An algorithm developed to predict the effect of missense changes on protein structure and function (PolyPhen-2) suggests that this variant is likely to be tolerated. This variant has not been reported in the literature in individuals affected with IMPG1-related conditions. This variant is not present in population databases (gnomAD no frequency). This sequence change replaces serine, which is neutral and polar, with arginine, which is basic and polar, at codon 239 of the IMPG1 protein (p.Ser239Arg).